The following is an entry in ClinVar:

ClinVar aggregate classification (germline): Uncertain significance (1 of 4 stars; one submission).

gnomAD v4.1: 40 of 1,613,746 alleles (0.0025%); highest among the groups gnomAD compares: Admixed American, 0.018%; no homozygotes.

Submission:

CeGaT Center for Human Genetics Tuebingen
Classification: Uncertain significance. Last evaluated: 2026-04-01. Review status: criteria provided, single submitter. Criteria: CeGaT Center For Human Genetics Tuebingen Variant Classification Criteria Version 2. Collection method: clinical testing. Allele origin: germline. Affected: yes. Observed: 2 variant alleles.
Comment: TTN: PM2, BP4

NM_001267550.2(TTN):c.13351G>A (p.Val4451Ile)

Gene: TTN (titin; minus strand). Cytogenetic location: 2q31.2.
Variant type: single nucleotide variant.
Coding change: c.13351G>A on transcript NM_001267550.2 (MANE Select); coding-DNA position 13351, G replaced by A.
Protein change: p.Val4451Ile; replaces valine 4451 with isoleucine.
Molecular consequence: missense variant. On other transcripts: intron variant (1).
Genome position (GRCh38, 1-based): chr2:178,739,882, C>T on the plus strand (G>A on the coding strand, the complement: TTN is on the minus strand). VCF-style: chr2-178739882-C-T. GRCh37 (hg19) VCF-style: chr2-179604609-C-T.
Other names: c.12400G>A, p.Val4134Ile (NM_001256850.1); c.12262G>A, p.Val4088Ile (NM_003319.4); c.12637G>A, p.Val4213Ile (NM_133432.3); c.12838G>A, p.Val4280Ile (NM_133437.4); c.10361-1522G>A (NM_133378.4); short protein forms V4088I, V4134I, V4213I, V4280I, V4451I.
Identifiers: ClinVar variation 3341856 (VCV003341856.16).
Genomic context (GRCh38, chr2:178,739,882, plus strand): 5'-TTTTCAGGTTAGCCATTTGAGGATCAACATCTTCAATAATGATGGTTACTTCTTCTGTTA[C>T]AGACTTTGCCGAAGTAACAAGGTACATGCACATGATGTGTCTGGGCTCTTGGGTGATGTT-3'
Protein context (NP_001254479.2, residues 4441-4461): CMYLVTSAKS[Val4451Ile]TEEVTIIIED